The following is an entry in ClinVar:

NM_022436.3(ABCG5):c.-76C>T

Gene: ABCG5 (ATP binding cassette subfamily G member 5; minus strand). Cytogenetic location: 2p21.
Variant type: single nucleotide variant.
Coding change: c.-76C>T on transcript NM_022436.3 (MANE Select); 76 bases upstream of the start codon, C replaced by T.
Molecular consequence: 5 prime UTR variant.
Genome position (GRCh38, 1-based): chr2:43,838,755, G>A on the plus strand (C>T on the coding strand, the complement: ABCG5 is on the minus strand). VCF-style: chr2-43838755-G-A. GRCh37 (hg19) VCF-style: chr2-44065894-G-A.
Other names: c.-76C>T (NM_022436.2).
Identifiers: ClinVar variation 1321322 (VCV001321322.7), dbSNP rs560839317, ClinGen allele CA46426492.

ClinVar aggregate classification (germline): Conflicting classifications of pathogenicity. Review status: criteria provided, conflicting classifications (1 of 4 stars). 6 submissions from 6 submitters: Pathogenic (2); Uncertain significance (3). 1 of the submissions does not count toward it. Last evaluated 2026-03-05.

Conditions:
ABCG5-related disorder. Also called: ABCG5-related condition.
Cardiovascular phenotype. Identifiers: MedGen CN230736.
Sitosterolemia 2. Identifiers: MedGen C5231453, MONDO:0020748, OMIM 618666.
Sitosterolemia (STSL). Also called: PHYTOSTEROLEMIA. Identifiers: Orphanet 2882, MedGen C0342907, MONDO:0008863.

Allele frequency attached by ClinVar (database versions not stated): gnomAD 0.00004 and 0.00005; gnomAD exomes 0.00004; TOPMed 0.00013; 1000 Genomes Project 30x 0.00016; 1000 Genomes Project 0.00020.
gnomAD v4.1: 63 of 1,577,666 alleles (0.004%); highest among the groups gnomAD compares: East Asian, 0.085%; 1 homozygote.

Submissions (6):

Department of Cardiology, Mackay Memorial Hospital
Classification: Pathogenic for Sitosterolemia. Last evaluated: 2026-03-05. Review status: criteria provided, single submitter. Criteria: ACMG Guidelines, 2015. Collection method: clinical testing. Allele origin: germline. Affected: yes.
Comment: The ABCG5 c.-76C>T (Accession: VCV001321322.5) variant is located within the 5′ untranslated region, 76 nucleotides upstream of the translation initiation codon. It is exceedingly rare in population databases, having been identified only in the heterozygous state in gnomAD. Importantly, this variant has been reported in multiple unrelated patients with childhood-onset sitosterolemia, where it was observed in trans with other ABCG5 variants. Although the affected nucleotide shows limited evolutionary conservation, the repeated occurrence of this variant in affected individuals in a trans configuration with additional ABCG5 variants provides supportive genetic evidence for pathogenicity. Taken together, the available evidence supports classification of ABCG5 c.-76C>T as pathogenic.

PreventionGenetics, part of Exact Sciences
Classification: Uncertain significance for ABCG5-related condition. Last evaluated: 2025-02-11. Review status: criteria provided, single submitter. Criteria: ACMG Guidelines, 2015. Collection method: clinical testing. Allele origin: germline.
Comment: The ABCG5 c.-76C>T variant is located in the 5' untranslated region. This variant occurs in the 5' UTR of ABCG5, and other non-coding regulatory variants have not been reported in this region. This variant was reported in the compound heterozygous state along with a second likely pathogenic or potentially causative variant in two unrelated individuals with sitosterolaemia, although conclusive evidence of pathogenicity was not presented (Sun et al. 2020. PubMed ID: 32166861; Shen et al. 2022. PubMed ID: 35557526). This variant is reported in 0.064% of alleles in individuals of East Asian descent in gnomAD. At this time, the clinical significance of this variant is uncertain due to the absence of conclusive functional and genetic evidence.

Genetics and Molecular Pathology, SA Pathology
Classification: Uncertain significance for Sitosterolemia 2. Last evaluated: 2023-05-08. Review status: criteria provided, single submitter. Criteria: ACMG Guidelines, 2015. Collection method: clinical testing. Allele origin: germline. Inheritance: Autosomal recessive inheritance. Affected: yes.
Comment: The ABCG5 c.-76C>T variant is classified as VUS (PM2) The variant is rare in population databases (gnomAD allele frequency = 0.0045%; 7 het and 0 hom in 152228 sequenced alleles; highest frequency = 0.096%, East Asian population) (PM2). The variant has been reported in dbSNP (rs560839317) and has been reported as Pathogenic by other diagnostic laboratories with no assertion criteria provided (ClinVar Variation ID: 1321322). It has not been reported in HGMD.

Ambry Genetics
Classification: Pathogenic for Cardiovascular phenotype. Last evaluated: 2023-04-06. Review status: criteria provided, single submitter. Criteria: Ambry Variant Classification Scheme 2023. Collection method: clinical testing. Allele origin: germline.
Comment: The c.-76C>T alteration is located in the 5' untranslated region (5'UTR) of the ABCG5 gene. This alteration results from a C to T substitution 76 nucleotides upstream from the first translated codon. This allele was reported in one heterozygous individual in population-based cohorts in the Genome Aggregation Database (gnomAD). This variant has been reported in trans with several other ABCG5 variants in multiple unrelated individuals diagnosed with sitosterolemia in childhood (Sun, 2020; Zhou, 2022; Shen, 2022; Xia, 2022). This nucleotide position is not well conserved in available vertebrate species. Based on the available evidence, this alteration is classified as pathogenic.

Revvity Omics, Revvity
Classification: Uncertain significance for Sitosterolemia 2. Last evaluated: 2022-10-25. Review status: criteria provided, single submitter. Criteria: ACMG Guidelines, 2015. Collection method: clinical testing. Allele origin: germline.

Department of Traditional Chinese Medicine, Fujian Provincial Hospital
Classification: Pathogenic for Sitosterolemia. Review status: no assertion criteria provided. Collection method: clinical testing. Allele origin: de novo. Inheritance: Autosomal recessive inheritance. Affected: no. Not counted in ClinVar's aggregate classification.

Literature cited by the submitters: PubMed 32166861 (cited by Department of Cardiology, Mackay Memorial Hospital and Ambry Genetics); PubMed 34969652 (cited by Department of Cardiology, Mackay Memorial Hospital and Ambry Genetics); PubMed 35042526 (cited by Department of Cardiology, Mackay Memorial Hospital and Ambry Genetics); PubMed 35557526 (cited by Department of Cardiology, Mackay Memorial Hospital and Ambry Genetics).